The following is an entry in ClinVar:

ClinVar aggregate classification (germline): Uncertain significance (1 of 4 stars; one submission).

Conditions:
Tuberous sclerosis 2 (TSC2). Identifiers: Orphanet 805, MedGen C1860707, MONDO:0013199, OMIM 613254.

Allele frequency attached by ClinVar (database versions not stated): gnomAD exomes below 0.00001.
gnomAD v4.1: 2 of 1,584,414 alleles (0.00013%); highest among the groups gnomAD compares: African/African-American, 0.0013%; no homozygotes.

Submission:

Labcorp Genetics (formerly Invitae), Labcorp
Classification: Uncertain significance for Tuberous sclerosis 2. Last evaluated: 2023-06-05. Review status: criteria provided, single submitter. Criteria: Invitae Variant Classification Sherloc (09022015). Collection method: clinical testing. Allele origin: germline.
Comment: This variant is not present in population databases (gnomAD no frequency). In summary, the available evidence is currently insufficient to determine the role of this variant in disease. Therefore, it has been classified as a Variant of Uncertain Significance. Algorithms developed to predict the effect of sequence changes on RNA splicing suggest that this variant may create or strengthen a splice site. An algorithm developed to predict the effect of missense changes on protein structure and function (PolyPhen-2) suggests that this variant is likely to be disruptive. This variant has not been reported in the literature in individuals affected with TSC2-related conditions. This sequence change replaces lysine, which is basic and polar, with threonine, which is neutral and polar, at codon 1663 of the TSC2 protein (p.Lys1663Thr).

NM_000548.5(TSC2):c.4988A>C (p.Lys1663Thr)

Gene: TSC2 (TSC complex subunit 2; plus strand). Cytogenetic location: 16p13.3.
Variant type: single nucleotide variant.
Coding change: c.4988A>C on transcript NM_000548.5 (MANE Select); coding-DNA position 4988, A replaced by C.
Protein change: p.Lys1663Thr; replaces lysine 1663 with threonine.
Molecular consequence: missense variant. On other transcripts: non-coding transcript variant (5).
Genome position (GRCh38, 1-based): chr16:2,086,870, A>C. VCF-style: chr16-2086870-A-C. GRCh37 (hg19) VCF-style: chr16-2136871-A-C.
Other names: c.4787A>C, p.Lys1596Thr (NM_001077183.3); c.4919A>C, p.Lys1640Thr (NM_001114382.3); c.4679A>C, p.Lys1560Thr (NM_001318827.2); c.4643A>C, p.Lys1548Thr (NM_001318829.2); c.4256A>C, p.Lys1419Thr (NM_001318831.2); c.4820A>C, p.Lys1607Thr (NM_001318832.2); c.4790A>C, p.Lys1597Thr (NM_001363528.2); c.4856A>C, p.Lys1619Thr (NM_001370404.1); and 26 more; short protein forms K1148T, K1396T, K1439T, K1463T, K1590T, K1592T, K1603T, K1637T.
Identifiers: ClinVar variation 2769647 (VCV002769647.3), dbSNP rs2544409309, ClinGen allele CA394309221.